The following is an entry in ClinVar:

ClinVar aggregate classification (germline): Uncertain significance (1 of 4 stars; one submission).

Allele frequency attached by ClinVar (database versions not stated): gnomAD exomes below 0.00001; ExAC 0.00002; gnomAD 0.00003; TOPMed 0.00004.
gnomAD v4.1: 7 of 1,585,228 alleles (0.00044%); highest among the groups gnomAD compares: African/African-American, 0.0094%; no homozygotes.

Submission:

Labcorp Genetics (formerly Invitae), Labcorp
Classification: Uncertain significance. Last evaluated: 2023-02-02. Review status: criteria provided, single submitter. Criteria: Invitae Variant Classification Sherloc (09022015). Collection method: clinical testing. Allele origin: germline.
Comment: This sequence change replaces serine, which is neutral and polar, with phenylalanine, which is neutral and non-polar, at codon 967 of the SPEG protein (p.Ser967Phe). This variant is present in population databases (rs758422881, gnomAD 0.008%). This variant has not been reported in the literature in individuals affected with SPEG-related conditions. Algorithms developed to predict the effect of missense changes on protein structure and function are either unavailable or do not agree on the potential impact of this missense change (SIFT: "Deleterious"; PolyPhen-2: "Possibly Damaging"; Align-GVGD: "Class C0"). In summary, the available evidence is currently insufficient to determine the role of this variant in disease. Therefore, it has been classified as a Variant of Uncertain Significance.

NM_005876.5(SPEG):c.2900C>T (p.Ser967Phe)

Gene: SPEG (striated muscle enriched protein kinase; plus strand). Cytogenetic location: 2q35.
Variant type: single nucleotide variant.
Coding change: c.2900C>T on transcript NM_005876.5 (MANE Select); coding-DNA position 2900, C replaced by T.
Protein change: p.Ser967Phe; replaces serine 967 with phenylalanine.
Molecular consequence: missense variant.
Genome position (GRCh38, 1-based): chr2:219,467,192, C>T. VCF-style: chr2-219467192-C-T. GRCh37 (hg19) VCF-style: chr2-220331914-C-T.
Other names: short protein forms S967F.
Identifiers: ClinVar variation 2997510 (VCV002997510.3), dbSNP rs758422881, ClinGen allele CA2126025.
Genomic context (GRCh38, chr2:219,467,192, plus strand): 5'-TCTCTGCTCTGTGCGTGGCCCCCGTGGCTGCTTTCCCCTCAGCACACCCTGAAAGCCGGT[C>T]CCTGGCCGTGCTGGCCCCCCTGCAGGACGTGGACGTGGGGGCCGGGGAGATGGCGCTGTT-3'
Protein context (NP_005867.3, residues 957-977): LEVRAHPESR[Ser967Phe]LAVLAPLQDV